The following is an entry in ClinVar:

NM_003679.5(KMO):c.757G>A (p.Val253Met)

Gene: KMO (kynurenine 3-monooxygenase; plus strand). Cytogenetic location: 1q43.
Variant type: single nucleotide variant.
Coding change: c.757G>A on transcript NM_003679.5 (MANE Select); coding-DNA position 757, G replaced by A.
Protein change: p.Val253Met; replaces valine 253 with methionine.
Molecular consequence: missense variant.
Genome position (GRCh38, 1-based): chr1:241,566,560, G>A. VCF-style: chr1-241566560-G-A. GRCh37 (hg19) VCF-style: chr1-241729860-G-A.
Other names: p.V253M; c.757G>A, p.Val253Met (NM_001410944.1); short protein forms V253M.
Identifiers: ClinVar variation 3865059 (VCV003865059.2).

ClinVar aggregate classification (germline): Uncertain significance. Review status: criteria provided, multiple submitters, no conflicts (2 of 4 stars). 2 submissions from 2 submitters: Uncertain significance (2). Last evaluated 2024-12-25.

Conditions:
KMO-related congenital malformation syndrome.

gnomAD v4.1: 158 of 1,613,360 alleles (0.0098%); highest among the groups gnomAD compares: Non-Finnish European, 0.013%; no homozygotes.

Submissions (2):

Ambry Genetics
Classification: Uncertain significance. Last evaluated: 2024-12-25. Review status: criteria provided, single submitter. Criteria: Ambry Variant Classification Scheme 2023. Collection method: clinical testing. Allele origin: germline.

Undiagnosed Diseases Network, NIH
Classification: Uncertain significance for KMO-related congenital malformation syndrome. Last evaluated: 2019-06-18. Review status: criteria provided, single submitter. Criteria: ACMG Guidelines, 2015. Collection method: clinical testing. Allele origin: maternal. Inheritance: Autosomal recessive inheritance. Affected: yes. Observed: 1 variant allele, 1 compound heterozygote. Study: Undiagnosed Diseases Network (NIH), UDN.
Comment: Variant found in compound heterozygosity with KMO c.223-1G>T variant in two affected siblings with congenital heart defects and verterbral anomalies. Recessive disruption of this pathway due to other genes causes similar phenotypes.